The following is an entry in ClinVar:

NM_001024630.4(RUNX2):c.1128C>G (p.Phe376Leu)

Gene: RUNX2 (RUNX family transcription factor 2; plus strand). Cytogenetic location: 6p21.1.
Variant type: single nucleotide variant.
Coding change: c.1128C>G on transcript NM_001024630.4 (MANE Select); coding-DNA position 1128, C replaced by G.
Protein change: p.Phe376Leu; replaces phenylalanine 376 with leucine.
Molecular consequence: missense variant.
Genome position (GRCh38, 1-based): chr6:45,546,867, C>G. VCF-style: chr6-45546867-C-G. GRCh37 (hg19) VCF-style: chr6-45514604-C-G.
Other names: c.1062C>G, p.Phe354Leu (NM_001015051.4); c.1020C>G, p.Phe340Leu (NM_001278478.2); c.1086C>G, p.Phe362Leu (NM_001369405.1, NM_004348.3); short protein forms F354L, F376L, F340L, F362L.
Identifiers: ClinVar variation 2771433 (VCV002771433.3), dbSNP rs2481024373, ClinGen allele CA363956558.
Genomic context (GRCh38, chr6:45,546,867, plus strand): 5'-TCTTCTGTTATAATTTTTAGGTGCTTCAGAACTGGGCCCTTTTTCAGACCCCAGGCAGTT[C>G]CCAAGCATTTCATCCCTCACTGAGAGCCGCTTCTCCAACCCACGAATGCACTATCCAGCC-3'
Protein context (NP_001019801.3, residues 366-386): ELGPFSDPRQ[Phe376Leu]PSISSLTESR

ClinVar aggregate classification (germline): Uncertain significance (1 of 4 stars; one submission).

Submission:

Labcorp Genetics (formerly Invitae), Labcorp
Classification: Uncertain significance. Last evaluated: 2023-10-23. Review status: criteria provided, single submitter. Criteria: Invitae Variant Classification Sherloc (09022015). Collection method: clinical testing. Allele origin: germline.
Comment: This sequence change replaces phenylalanine, which is neutral and non-polar, with leucine, which is neutral and non-polar, at codon 376 of the RUNX2 protein (p.Phe376Leu). This variant is not present in population databases (gnomAD no frequency). This variant has not been reported in the literature in individuals affected with RUNX2-related conditions. Advanced modeling of protein sequence and biophysical properties (such as structural, functional, and spatial information, amino acid conservation, physicochemical variation, residue mobility, and thermodynamic stability) performed at Invitae indicates that this missense variant is not expected to disrupt RUNX2 protein function with a negative predictive value of 80%. In summary, the available evidence is currently insufficient to determine the role of this variant in disease. Therefore, it has been classified as a Variant of Uncertain Significance.